The following is an entry in ClinVar:

NM_007129.5(ZIC2):c.1407_1409dup (p.Ala470_Val471insAla)

Genes: ZIC2 (Zic family zinc finger 2; plus strand), LOC110008580 (Zic family member 2 polyalanine repeat instability region; plus strand). Cytogenetic location: 13q32.3.
Variant type: Duplication.
Coding change: c.1407_1409dup on transcript NM_007129.5 (MANE Select); coding-DNA positions 1407 to 1409, 3 bases duplicated (CGC; older notation c.1407_1409dupCGC).
Protein change: p.Ala470_Val471insAla.
Molecular consequence: inframe insertion.
Genome position (GRCh38, 1-based): chr13:99,985,490-99,985,492, CGC duplicated; duplicating any 3 consecutive bases within chr13:99,985,488-99,985,492 gives the same sequence; the c. name uses the placement nearest the transcript's 3' end. VCF-style (leftmost placement, unchanged base first): chr13-99985487-G-GGCC. GRCh37 (hg19) VCF-style: chr13-100637741-G-GGCC.
Identifiers: ClinVar variation 1954181 (VCV001954181.5), dbSNP rs2501551350, ClinGen allele CA2580087797.

ClinVar aggregate classification (germline): Uncertain significance (1 of 4 stars; one submission).

Conditions:
Holoprosencephaly 5 (HPE5). Identifiers: Orphanet 2162, MedGen C1864827, MONDO:0012322, OMIM 609637.

Submission:

Labcorp Genetics (formerly Invitae), Labcorp
Classification: Uncertain significance for Holoprosencephaly 5. Last evaluated: 2022-09-29. Review status: criteria provided, single submitter. Criteria: Invitae Variant Classification Sherloc (09022015). Collection method: clinical testing. Allele origin: germline.
Comment: This variant, c.1407_1409dup, results in the insertion of 1 amino acid(s) of the ZIC2 protein (p.Ala470dup), but otherwise preserves the integrity of the reading frame. This variant is not present in population databases (gnomAD no frequency). This variant has been observed in individual(s) with holoprosencephaly (PMID: 21940735). Experimental studies and prediction algorithms are not available or were not evaluated, and the functional significance of this variant is currently unknown. In summary, the available evidence is currently insufficient to determine the role of this variant in disease. Therefore, it has been classified as a Variant of Uncertain Significance.

Literature cited by the submitters: PubMed 21940735.